The following is an entry in ClinVar:

NM_000435.3(NOTCH3):c.231G>C (p.Gln77His)

Gene: NOTCH3 (notch receptor 3; minus strand). Cytogenetic location: 19p13.12.
Variant type: single nucleotide variant.
Coding change: c.231G>C on transcript NM_000435.3 (MANE Select); coding-DNA position 231, G replaced by C.
Protein change: p.Gln77His; replaces glutamine 77 with histidine.
Molecular consequence: missense variant.
Genome position (GRCh38, 1-based): chr19:15,192,486, C>G on the plus strand (G>C on the coding strand, the complement: NOTCH3 is on the minus strand). VCF-style: chr19-15192486-C-G. GRCh37 (hg19) VCF-style: chr19-15303297-C-G.
Other names: short protein forms Q77H.
Identifiers: ClinVar variation 1256501 (VCV001256501.6), dbSNP rs1438944422, ClinGen allele CA404535126.

ClinVar aggregate classification (germline): Uncertain significance. Review status: criteria provided, multiple submitters, no conflicts (2 of 4 stars). 3 submissions from 3 submitters: Uncertain significance (3). Last evaluated 2025-05-02.

Allele frequency attached by ClinVar (database versions not stated): gnomAD exomes below 0.00001.
gnomAD v4.1: 2 of 1,603,330 alleles (0.00012%); highest among the groups gnomAD compares: Admixed American, 0.0017%; no homozygotes.

Submissions (3):

Athena Diagnostics
Classification: Uncertain significance. Last evaluated: 2025-05-02. Review status: criteria provided, single submitter. Criteria: Athena Diagnostics Criteria. Collection method: clinical testing. Allele origin: unknown.
Comment: Available data are insufficient to determine the clinical significance of the variant at this time. The frequency of this variant in the general population is uninformative in assessment of its pathogenicity. Polyphen and MutationTaster predict this amino acid change may be damaging to the protein.

Labcorp Genetics (formerly Invitae), Labcorp
Classification: Uncertain significance. Last evaluated: 2025-03-04. Review status: criteria provided, single submitter. Criteria: Invitae Variant Classification Sherloc (09022015). Collection method: clinical testing. Allele origin: germline.
Comment: This sequence change replaces glutamine, which is neutral and polar, with histidine, which is basic and polar, at codon 77 of the NOTCH3 protein (p.Gln77His). This variant is present in population databases (no rsID available, gnomAD 0.003%). This missense change has been observed in individual(s) with clinical features of CADASIL (cerebral arteriopathy with subcortical infarcts and leukoencephalopathy) (external communication, internal data). It has also been observed to segregate with disease in related individuals. ClinVar contains an entry for this variant (Variation ID: 1256501). Invitae Evidence Modeling of protein sequence and biophysical properties (such as structural, functional, and spatial information, amino acid conservation, physicochemical variation, residue mobility, and thermodynamic stability) indicates that this missense variant is not expected to disrupt NOTCH3 protein function with a negative predictive value of 95%. In summary, the available evidence is currently insufficient to determine the role of this variant in disease. Therefore, it has been classified as a Variant of Uncertain Significance.

GeneDx
Classification: Uncertain significance. Last evaluated: 2024-05-29. Review status: criteria provided, single submitter. Criteria: GeneDx Variant Classification Process June 2021. Collection method: clinical testing. Allele origin: germline. Affected: yes.
Comment: Not observed at significant frequency in large population cohorts (gnomAD); In silico analysis supports that this missense variant has a deleterious effect on protein structure/function; Has not been previously published as pathogenic or benign to our knowledge